The following is an entry in ClinVar:

ClinVar aggregate classification (germline): Uncertain significance. Review status: criteria provided, multiple submitters, no conflicts (2 of 4 stars). 2 submissions from 2 submitters: Uncertain significance (2). Last evaluated 2022-08-23.

Allele frequency attached by ClinVar (database versions not stated): gnomAD 0.00001 and 0.00010; TOPMed 0.00001; gnomAD exomes 0.00006 and 0.00018; ExAC 0.00011; 1000 Genomes Project 30x 0.00062; 1000 Genomes Project 0.00080.
gnomAD v4.1: 277 of 1,614,216 alleles (0.017%); highest among the groups gnomAD compares: East Asian, 0.61%; no homozygotes.

Submissions (2):

Labcorp Genetics (formerly Invitae), Labcorp
Classification: Uncertain significance. Last evaluated: 2022-08-23. Review status: criteria provided, single submitter. Criteria: Invitae Variant Classification Sherloc (09022015). Collection method: clinical testing. Allele origin: germline.
Comment: This sequence change replaces glutamine, which is neutral and polar, with proline, which is neutral and non-polar, at codon 1887 of the GPR179 protein (p.Gln1887Pro). This variant is present in population databases (rs146477655, gnomAD 0.08%). This variant has not been reported in the literature in individuals affected with GPR179-related conditions. ClinVar contains an entry for this variant (Variation ID: 1510180). Algorithms developed to predict the effect of missense changes on protein structure and function output the following: SIFT: "Tolerated"; PolyPhen-2: "Benign"; Align-GVGD: "Class C0". The proline amino acid residue is found in multiple mammalian species, which suggests that this missense change does not adversely affect protein function. In summary, the available evidence is currently insufficient to determine the role of this variant in disease. Therefore, it has been classified as a Variant of Uncertain Significance.

Blueprint Genetics
Classification: Uncertain significance. Last evaluated: 2022-07-26. Review status: criteria provided, single submitter. Criteria: ACMG Guidelines, 2015. Collection method: clinical testing. Allele origin: germline.

NM_001004334.4(GPR179):c.5660A>C (p.Gln1887Pro)

Gene: GPR179 (G protein-coupled receptor 179; minus strand). Cytogenetic location: 17q12.
Variant type: single nucleotide variant.
Coding change: c.5660A>C on transcript NM_001004334.4 (MANE Select); coding-DNA position 5660, A replaced by C.
Protein change: p.Gln1887Pro; replaces glutamine 1887 with proline.
Molecular consequence: missense variant.
Genome position (GRCh38, 1-based): chr17:38,327,909, T>G on the plus strand (A>C on the coding strand, the complement: GPR179 is on the minus strand). VCF-style: chr17-38327909-T-G. GRCh37 (hg19) VCF-style: chr17-36483792-T-G.
Other names: short protein forms Q1887P.
Identifiers: ClinVar variation 1510180 (VCV001510180.7), dbSNP rs146477655, ClinGen allele CA290103415.